The following is an entry in ClinVar:

NM_022489.4(INF2):c.1614C>T (p.Ile538=)

Gene: INF2 (inverted formin 2; plus strand). Cytogenetic location: 14q32.33.
Variant type: single nucleotide variant.
Coding change: c.1614C>T on transcript NM_022489.4 (MANE Select); coding-DNA position 1614, C replaced by T.
Protein change: p.Ile538=; no amino-acid change (isoleucine 538 retained).
Molecular consequence: synonymous variant.
Genome position (GRCh38, 1-based): chr14:104,707,881, C>T. VCF-style: chr14-104707881-C-T. GRCh37 (hg19) VCF-style: chr14-105174218-C-T.
Other names: c.1614C>T, p.Ile538= (NM_001031714.4).
Identifiers: ClinVar variation 506345 (VCV000506345.12), dbSNP rs201561899, ClinGen allele CA7372608.

ClinVar aggregate classification (germline): Likely benign. Review status: criteria provided, multiple submitters, no conflicts (2 of 4 stars). 4 submissions from 4 submitters: Likely benign (4). Last evaluated 2025-06-01.

Conditions:
Inborn genetic diseases. Identifiers: MedGen C0950123, MeSH D030342.
Focal segmental glomerulosclerosis 5 (FSGS5). Identifiers: Orphanet 656, MedGen C2750475, MONDO:0013191, OMIM 613237.
Charcot-Marie-Tooth disease dominant intermediate E. Also called: CHARCOT-MARIE-TOOTH NEUROPATHY WITH FOCAL SEGMENTAL GLOMERULONEPHRITIS. Identifiers: Orphanet 93114, MedGen C4302667, MONDO:0013758, OMIM 614455.

Allele frequency attached by ClinVar (database versions not stated): ExAC 0.00004; gnomAD 0.00006 and 0.00009; gnomAD exomes 0.00006 and 0.00010; ESP Exome Variant Server 0.00008; TOPMed 0.00011.
gnomAD v4.1: 148 of 1,606,104 alleles (0.0092%); highest among the groups gnomAD compares: Non-Finnish European, 0.012%; no homozygotes.

Submissions (4):

Labcorp Genetics (formerly Invitae), Labcorp
Classification: Likely benign for Charcot-Marie-Tooth disease dominant intermediate E; Focal segmental glomerulosclerosis 5. Last evaluated: 2025-06-01. Review status: criteria provided, single submitter. Criteria: Invitae Variant Classification Sherloc (09022015). Collection method: clinical testing. Allele origin: germline.

Blueprint Genetics
Classification: Likely benign. Last evaluated: 2024-08-23. Review status: criteria provided, single submitter. Criteria: ACMG Guidelines, 2015. Collection method: clinical testing. Allele origin: germline.

Ambry Genetics
Classification: Likely benign for Inborn genetic diseases. Last evaluated: 2019-07-11. Review status: criteria provided, single submitter. Criteria: Ambry Variant Classification Scheme 2023. Collection method: clinical testing. Allele origin: germline.

GeneDx
Classification: Likely benign. Last evaluated: 2017-11-02. Review status: criteria provided, single submitter. Criteria: GeneDx Variant Classification (06012015). Collection method: clinical testing. Allele origin: germline. Affected: yes.
Comment: This variant is considered likely benign or benign based on one or more of the following criteria: it is a conservative change, it occurs at a poorly conserved position in the protein, it is predicted to be benign by multiple in silico algorithms, and/or has population frequency not consistent with disease.